The following is an entry in ClinVar:

NM_003073.5(SMARCB1):c.512A>G (p.His171Arg)

Gene: SMARCB1 (SWI/SNF related BAF chromatin remodeling complex subunit B1; plus strand). Cytogenetic location: 22q11.23.
Variant type: single nucleotide variant.
Coding change: c.512A>G on transcript NM_003073.5 (MANE Select); coding-DNA position 512, A replaced by G.
Protein change: p.His171Arg; replaces histidine 171 with arginine.
Molecular consequence: missense variant.
Genome position (GRCh38, 1-based): chr22:23,803,306, A>G. VCF-style: chr22-23803306-A-G. GRCh37 (hg19) VCF-style: chr22-24145493-A-G.
Other names: c.485A>G, p.His162Arg (NM_001007468.3); c.539A>G, p.His180Arg (NM_001317946.2); c.566A>G, p.His189Arg (NM_001362877.2); short protein forms H171R, H180R, H162R, H189R.
Identifiers: ClinVar variation 197748 (VCV000197748.15), dbSNP rs794727718, ClinGen allele CA246064.

ClinVar aggregate classification (germline): Uncertain significance. Review status: criteria provided, multiple submitters, no conflicts (2 of 4 stars). 4 submissions from 4 submitters: Uncertain significance (4). Last evaluated 2025-06-20.

Conditions:
Hereditary cancer-predisposing syndrome. Also called: Hereditary Cancer Syndrome; Tumor predisposition; Neoplastic Syndromes, Hereditary; Hereditary neoplastic syndrome. Identifiers: Orphanet 140162, MedGen C0027672, MeSH D009386, MONDO:0015356.

Allele frequency attached by ClinVar (database versions not stated): gnomAD exomes below 0.00001; TOPMed below 0.00001.
gnomAD v4.1: 1 of 1,614,160 alleles (0.000062%); highest among the groups gnomAD compares: Non-Finnish European, 0.000085%; no homozygotes.

Submissions (4):

Ambry Genetics
Classification: Uncertain significance for Hereditary cancer-predisposing syndrome. Last evaluated: 2025-06-20. Review status: criteria provided, single submitter. Criteria: Ambry Variant Classification Scheme 2023. Collection method: clinical testing. Allele origin: germline.
Comment: The p.H171R variant (also known as c.512A>G), located in coding exon 5 of the SMARCB1 gene, results from an A to G substitution at nucleotide position 512. The histidine at codon 171 is replaced by arginine, an amino acid with highly similar properties. This amino acid position is highly conserved in available vertebrate species. In addition, this alteration is predicted to be deleterious by in silico analysis. Based on the available evidence, the clinical significance of this alteration remains unclear.

Labcorp Genetics (formerly Invitae), Labcorp
Classification: Uncertain significance. Last evaluated: 2025-04-23. Review status: criteria provided, single submitter. Criteria: Invitae Variant Classification Sherloc (09022015). Collection method: clinical testing. Allele origin: germline.
Comment: This sequence change replaces histidine, which is basic and polar, with arginine, which is basic and polar, at codon 171 of the SMARCB1 protein (p.His171Arg). This variant is not present in population databases (gnomAD no frequency). This variant has not been reported in the literature in individuals affected with SMARCB1-related conditions. ClinVar contains an entry for this variant (Variation ID: 197748). Invitae Evidence Modeling of protein sequence and biophysical properties (such as structural, functional, and spatial information, amino acid conservation, physicochemical variation, residue mobility, and thermodynamic stability) indicates that this missense variant is not expected to disrupt SMARCB1 protein function with a negative predictive value of 80%. In summary, the available evidence is currently insufficient to determine the role of this variant in disease. Therefore, it has been classified as a Variant of Uncertain Significance.

GeneDx
Classification: Uncertain significance. Last evaluated: 2025-02-04. Review status: criteria provided, single submitter. Criteria: GeneDx Variant Classification Process June 2021. Collection method: clinical testing. Allele origin: germline. Affected: yes.
Comment: Not observed at significant frequency in large population cohorts (gnomAD); In silico analysis indicates that this missense variant does not alter protein structure/function; Has not been previously published as pathogenic or benign to our knowledge

Eurofins Ntd Llc (ga)
Classification: Uncertain significance. Last evaluated: 2015-08-20. Review status: criteria provided, single submitter. Criteria: EGL Classification Definitions 2015. Collection method: clinical testing. Allele origin: germline. Observed: 1 variant allele, 1 heterozygote.